The following is an entry in ClinVar:

NM_001164508.2(NEB):c.6851A>C (p.Tyr2284Ser)

Gene: NEB (nebulin; minus strand). Cytogenetic location: 2q23.3.
Variant type: single nucleotide variant.
Coding change: c.6851A>C on transcript NM_001164508.2 (MANE Select); coding-DNA position 6851, A replaced by C.
Protein change: p.Tyr2284Ser; replaces tyrosine 2284 with serine.
Molecular consequence: missense variant.
Genome position (GRCh38, 1-based): chr2:151,654,056, T>G on the plus strand (A>C on the coding strand, the complement: NEB is on the minus strand). VCF-style: chr2-151654056-T-G. GRCh37 (hg19) VCF-style: chr2-152510570-T-G.
Other names: c.6851A>C, p.Tyr2284Ser (NM_001164507.2, NM_001271208.2, NM_004543.5); short protein forms Y2284S.
Identifiers: ClinVar variation 1020723 (VCV001020723.6), dbSNP rs778637750, ClinGen allele CA1909983.

ClinVar aggregate classification (germline): Uncertain significance (1 of 4 stars; one submission).

Conditions:
Nemaline myopathy 2 (NEM2). Also called: Nemaline myopathy 2, autosomal recessive. Identifiers: MedGen C1850569, MONDO:0009725, OMIM 256030.

gnomAD v4.1: 53 of 1,611,598 alleles (0.0033%); highest among the groups gnomAD compares: Non-Finnish European, 0.0044%; no homozygotes.

Submission:

Labcorp Genetics (formerly Invitae), Labcorp
Classification: Uncertain significance for Nemaline myopathy 2. Last evaluated: 2022-07-06. Review status: criteria provided, single submitter. Criteria: Invitae Variant Classification Sherloc (09022015). Collection method: clinical testing. Allele origin: germline.
Comment: This sequence change replaces tyrosine, which is neutral and polar, with serine, which is neutral and polar, at codon 2284 of the NEB protein (p.Tyr2284Ser). This variant is present in population databases (rs778637750, gnomAD 0.004%). This variant has not been reported in the literature in individuals affected with NEB-related conditions. ClinVar contains an entry for this variant (Variation ID: 1020723). Algorithms developed to predict the effect of missense changes on protein structure and function are either unavailable or do not agree on the potential impact of this missense change (SIFT: "Deleterious"; PolyPhen-2: "Not Available"; Align-GVGD: "Class C0"). In summary, the available evidence is currently insufficient to determine the role of this variant in disease. Therefore, it has been classified as a Variant of Uncertain Significance.